The following is an entry in ClinVar:

NM_024675.4(PALB2):c.2772A>C (p.Pro924=)

Gene: PALB2 (partner and localizer of BRCA2; minus strand). Cytogenetic location: 16p12.2.
Variant type: single nucleotide variant.
Coding change: c.2772A>C on transcript NM_024675.4 (MANE Select); coding-DNA position 2772, A replaced by C.
Protein change: p.Pro924=; no amino-acid change (proline 924 retained).
Molecular consequence: synonymous variant.
Genome position (GRCh38, 1-based): chr16:23,624,071, T>G on the plus strand (A>C on the coding strand, the complement: PALB2 is on the minus strand). VCF-style: chr16-23624071-T-G. GRCh37 (hg19) VCF-style: chr16-23635392-T-G.
Other names: c.2712A>C, p.Pro904= (NM_001407296.1); c.2700A>C, p.Pro900= (NM_001407297.1); c.2610A>C, p.Pro870= (NM_001407298.1, NM_001407302.1); c.2772A>C, p.Pro924= (NM_001407299.1, NM_001407300.1, NM_001407301.1); c.1887A>C, p.Pro629= (NM_001407304.1, NM_001407305.1, NM_001407306.1 and 4 more transcripts); c.1725A>C, p.Pro575= (NM_001407307.1); c.984A>C, p.Pro328= (NM_001407312.1, NM_001407313.1); c.306A>C, p.Pro102= (NM_001407314.1).
Identifiers: ClinVar variation 3903866 (VCV003903866.1).

ClinVar aggregate classification (germline): Benign (1 of 4 stars; one submission).

Conditions:
Familial cancer of breast. Also called: Hereditary breast cancer; hereditary breast carcinoma; BREAST CANCER, FAMILIAL. Identifiers: Orphanet 227535, MedGen C0346153, MONDO:0016419, OMIM 114480. Disease mechanism: loss of function.

Submission:

Myriad Genetics, Inc.
Classification: Benign for Familial cancer of breast. Last evaluated: 2025-01-17. Review status: criteria provided, single submitter. Criteria: Myriad Autosomal Dominant, Autosomal Recessive and X-Linked Classification Criteria (2023). Collection method: clinical testing. Allele origin: unknown.
Comment: This variant is considered benign. This variant is a silent/synonymous amino acid change and it is not expected to impact splicing.